The following is an entry in ClinVar:

NM_000138.5(FBN1):c.1417C>T (p.Arg473Trp)

Gene: FBN1 (fibrillin 1; minus strand). Cytogenetic location: 15q21.1.
Variant type: single nucleotide variant.
Coding change: c.1417C>T on transcript NM_000138.5 (MANE Select); coding-DNA position 1417, C replaced by T.
Protein change: p.Arg473Trp; replaces arginine 473 with tryptophan.
Molecular consequence: missense variant.
Genome position (GRCh38, 1-based): chr15:48,515,438, G>A on the plus strand (C>T on the coding strand, the complement: FBN1 is on the minus strand). VCF-style: chr15-48515438-G-A. GRCh37 (hg19) VCF-style: chr15-48807635-G-A.
Other names: short protein forms R473W.
Identifiers: ClinVar variation 922251 (VCV000922251.9), dbSNP rs767068276, ClinGen allele CA044622.

ClinVar aggregate classification (germline): Uncertain significance. Review status: criteria provided, multiple submitters, no conflicts (2 of 4 stars). 3 submissions from 3 submitters: Uncertain significance (3). Last evaluated 2025-07-22.

Conditions:
Marfan syndrome (MFS). Also called: Marfan syndrome, classic; Marfan syndrome type 1; Marfan's syndrome; FBN1-Related Marfan Syndrome; MARFAN SYNDROME, TYPE I. Identifiers: Orphanet 284963, Orphanet 558, MedGen C0024796, MONDO:0007947, OMIM 154700.
Familial thoracic aortic aneurysm and aortic dissection (TAAD). Also called: Thoracic aortic aneurysms and dissections. Identifiers: Orphanet 91387, MedGen C4707243, MONDO:0019625.

Allele frequency attached by ClinVar (database versions not stated): gnomAD exomes 0.00001 and 0.00002; ExAC 0.00004; TOPMed 0.00002; gnomAD 0.00001.
gnomAD v4.1: 8 of 1,613,824 alleles (0.0005%); highest among the groups gnomAD compares: Admixed American, 0.01%; no homozygotes.

Submissions (3):

Color Diagnostics, LLC DBA Color Health
Classification: Uncertain significance for Familial thoracic aortic aneurysm and aortic dissection. Last evaluated: 2025-07-22. Review status: criteria provided, single submitter. Criteria: ACMG Guidelines, 2015. Collection method: clinical testing. Allele origin: germline.
Comment: This variant causes an in-frame substitution of two amino acids at codons 472 to 473 with two novel amino acids in the FBN1 protein (p.Cys472_Arg473delinsTyrTrp). To our knowledge, functional studies have not been reported for this variant. This variant has not been reported in individuals affected with FBN1-related disorders in the literature. This variant has not been identified in the general population by the Genome Aggregation Database (gnomAD). The available evidence is insufficient to determine the role of this variant in disease conclusively. Therefore, this variant is classified as a Variant of Uncertain Significance.

All of Us Research Program, National Institutes of Health
Classification: Uncertain significance for Marfan syndrome. Last evaluated: 2023-12-01. Review status: criteria provided, single submitter. Criteria: ACMG Guidelines, 2015. Collection method: clinical testing. Allele origin: germline. Inheritance: Autosomal dominant inheritance. Observed: 1 variant allele, 1 heterozygote.
Comment: This study involves interpretation of variants in research participants for the purpose of population health screening. Participant phenotype was not available at the time of variant classification. Additional details can be found in publication PMID: 35346344, PMCID: PMC8962531

Labcorp Genetics (formerly Invitae), Labcorp
Classification: Uncertain significance for Marfan syndrome; Familial thoracic aortic aneurysm and aortic dissection. Last evaluated: 2022-04-20. Review status: criteria provided, single submitter. Criteria: Invitae Variant Classification Sherloc (09022015). Collection method: clinical testing. Allele origin: germline.
Comment: This sequence change replaces arginine, which is basic and polar, with tryptophan, which is neutral and slightly polar, at codon 473 of the FBN1 protein (p.Arg473Trp). This variant is present in population databases (rs767068276, gnomAD 0.003%). This variant has not been reported in the literature in individuals affected with FBN1-related conditions. ClinVar contains an entry for this variant (Variation ID: 922251). Advanced modeling of protein sequence and biophysical properties (such as structural, functional, and spatial information, amino acid conservation, physicochemical variation, residue mobility, and thermodynamic stability) performed at Invitae indicates that this missense variant is expected to disrupt FBN1 protein function. In summary, the available evidence is currently insufficient to determine the role of this variant in disease. Therefore, it has been classified as a Variant of Uncertain Significance.